The following is an entry in ClinVar:

NM_001291303.3(FAT4):c.11360G>A (p.Ser3787Asn)

Gene: FAT4 (FAT atypical cadherin 4; plus strand). Cytogenetic location: 4q28.1.
Variant type: single nucleotide variant.
Coding change: c.11360G>A on transcript NM_001291303.3 (MANE Select); coding-DNA position 11360, G replaced by A.
Protein change: p.Ser3787Asn; replaces serine 3787 with asparagine.
Molecular consequence: missense variant.
Genome position (GRCh38, 1-based): chr4:125,452,370, G>A. VCF-style: chr4-125452370-G-A. GRCh37 (hg19) VCF-style: chr4-126373525-G-A.
Other names: c.11354G>A (NM_024582.4); c.11360G>A, p.Ser3787Asn (NM_001291285.3); c.11354G>A, p.Ser3785Asn (NM_024582.6); short protein forms S3787N, S3785N.
Identifiers: ClinVar variation 2186600 (VCV002186600.5), dbSNP rs1413982498, ClinGen allele CA358162377.

ClinVar aggregate classification (germline): Uncertain significance. Review status: criteria provided, multiple submitters, no conflicts (2 of 4 stars). 2 submissions from 2 submitters: Uncertain significance (2). Last evaluated 2025-05-01.

Conditions:
Inborn genetic diseases. Identifiers: MedGen C0950123, MeSH D030342.

Allele frequency attached by ClinVar (database versions not stated): gnomAD exomes below 0.00001; TOPMed 0.00001; gnomAD 0.00002.
gnomAD v4.1: 7 of 1,614,014 alleles (0.00043%); highest among the groups gnomAD compares: African/African-American, 0.008%; no homozygotes.

Submissions (2):

Ambry Genetics
Classification: Uncertain significance for Inborn genetic diseases. Last evaluated: 2025-05-01. Review status: criteria provided, single submitter. Criteria: Ambry Variant Classification Scheme 2023. Collection method: clinical testing. Allele origin: germline.

Labcorp Genetics (formerly Invitae), Labcorp
Classification: Uncertain significance. Last evaluated: 2022-04-23. Review status: criteria provided, single submitter. Criteria: Invitae Variant Classification Sherloc (09022015). Collection method: clinical testing. Allele origin: germline.
Comment: This variant has not been reported in the literature in individuals affected with FAT4-related conditions. Advanced modeling of protein sequence and biophysical properties (such as structural, functional, and spatial information, amino acid conservation, physicochemical variation, residue mobility, and thermodynamic stability) performed at Invitae indicates that this missense variant is not expected to disrupt FAT4 protein function. In summary, the available evidence is currently insufficient to determine the role of this variant in disease. Therefore, it has been classified as a Variant of Uncertain Significance. This variant is present in population databases (no rsID available, gnomAD 0.01%). This sequence change replaces serine, which is neutral and polar, with asparagine, which is neutral and polar, at codon 3785 of the FAT4 protein (p.Ser3785Asn).